The following is an entry in ClinVar:

ClinVar aggregate classification (germline): Likely benign. Review status: criteria provided, multiple submitters, no conflicts (2 of 4 stars). 2 submissions from 2 submitters: Likely benign (2). Last evaluated 2025-12-01.

Allele frequency attached by ClinVar (database versions not stated): gnomAD exomes 0.00009 and 0.00010; TOPMed 0.00012; ExAC 0.00013; ESP Exome Variant Server 0.00015; gnomAD 0.00007 and 0.00009.
gnomAD v4.1: 148 of 1,611,054 alleles (0.0092%); highest among the groups gnomAD compares: East Asian, 0.02%; no homozygotes.

Submissions (2):

CeGaT Center for Human Genetics Tuebingen
Classification: Likely benign. Last evaluated: 2025-12-01. Review status: criteria provided, single submitter. Criteria: CeGaT Center For Human Genetics Tuebingen Variant Classification Criteria Version 2. Collection method: clinical testing. Allele origin: germline. Affected: yes. Observed: 3 variant alleles.
Comment: COL4A1: BP4, BP7

Labcorp Genetics (formerly Invitae), Labcorp
Classification: Likely benign. Last evaluated: 2025-11-08. Review status: criteria provided, single submitter. Criteria: Invitae Variant Classification Sherloc (09022015). Collection method: clinical testing. Allele origin: germline.

NM_001845.6(COL4A1):c.2085C>T (p.Pro695=)

Gene: COL4A1 (collagen type IV alpha 1 chain; minus strand). Cytogenetic location: 13q34.
Variant type: single nucleotide variant.
Coding change: c.2085C>T on transcript NM_001845.6 (MANE Select); coding-DNA position 2085, C replaced by T.
Protein change: p.Pro695=; no amino-acid change (proline 695 retained).
Molecular consequence: synonymous variant.
Genome position (GRCh38, 1-based): chr13:110,183,003, G>A on the plus strand (C>T on the coding strand, the complement: COL4A1 is on the minus strand). VCF-style: chr13-110183003-G-A. GRCh37 (hg19) VCF-style: chr13-110835350-G-A.
Identifiers: ClinVar variation 717775 (VCV000717775.27), dbSNP rs377505775, ClinGen allele CA7047727.